The following is an entry in ClinVar:

NM_001258392.3(CLPB):c.253G>A (p.Ala85Thr)

Genes: CLPB (ClpB family mitochondrial disaggregase; minus strand), LOC130006336 (ATAC-STARR-seq lymphoblastoid active region 5191; plus strand). Cytogenetic location: 11q13.4.
Variant type: single nucleotide variant.
Coding change: c.253G>A on transcript NM_001258392.3 (MANE Select); coding-DNA position 253, G replaced by A.
Protein change: p.Ala85Thr; replaces alanine 85 with threonine.
Molecular consequence: missense variant.
Genome position (GRCh38, 1-based): chr11:72,434,222, C>T on the plus strand (G>A on the coding strand, the complement: CLPB is on the minus strand). VCF-style: chr11-72434222-C-T. GRCh37 (hg19) VCF-style: chr11-72145266-C-T.
Other names: c.253G>A, p.Ala85Thr (NM_001258393.3, NM_030813.6); c.11G>A, p.Gly4Asp (NM_001258394.3); short protein forms A85T, G4D.
Identifiers: ClinVar variation 2778476 (VCV002778476.3), dbSNP rs2496014027, ClinGen allele CA381963153.
Genomic context (GRCh38, chr11:72,434,222, plus strand): 5'-TCCAGCTGTCCTGTCCTGGGAGTGTTTCTTCGGGACCAGGAAGGCGTCCCCAAGTGGCAG[C>T]CGCGAGGCATTTGGTATCGAAGCGTCCTCCCTGGCGCCCCCCGGTGGCTGCCCCACGTCC-3'
Protein context (NP_001245321.1, residues 75-95): GGRFDTKCLA[Ala85Thr]ATWGRLPGPE

ClinVar aggregate classification (germline): Uncertain significance (1 of 4 stars; one submission).

Conditions:
3-methylglutaconic aciduria, type VIIB (MGCA7B). Also called: CLPB Deficiency; 3-methylglutaconic aciduria with cataracts, neurologic involvement and neutropenia; 3-methylglutaconic aciduria, type VII, with cataracts, neurologic involvement and neutropenia. Identifiers: Orphanet 445038, MedGen C5676893, MONDO:0014561, OMIM 616271.

Submission:

Labcorp Genetics (formerly Invitae), Labcorp
Classification: Uncertain significance for 3-methylglutaconic aciduria, type VIIB. Last evaluated: 2023-06-23. Review status: criteria provided, single submitter. Criteria: Invitae Variant Classification Sherloc (09022015). Collection method: clinical testing. Allele origin: germline.
Comment: An algorithm developed to predict the effect of missense changes on protein structure and function (PolyPhen-2) suggests that this variant is likely to be tolerated. This variant has not been reported in the literature in individuals affected with CLPB-related conditions. This variant is not present in population databases (gnomAD no frequency). This sequence change replaces alanine, which is neutral and non-polar, with threonine, which is neutral and polar, at codon 85 of the CLPB protein (p.Ala85Thr). In summary, the available evidence is currently insufficient to determine the role of this variant in disease. Therefore, it has been classified as a Variant of Uncertain Significance.